The following is an entry in ClinVar:

ClinVar aggregate classification (germline): Uncertain significance (1 of 4 stars; one submission).

Conditions:
Distal myopathy with posterior leg and anterior hand involvement. Also called: WILLIAMS DISTAL MYOPATHY. Identifiers: Orphanet 63273, MedGen C3279722, MONDO:0013550, OMIM 614065.
Hypertrophic cardiomyopathy 26. Also called: Cardiomyopathy, familial hypertrophic, 26. Identifiers: Orphanet 75249, MedGen C4310749, MONDO:0014883, OMIM 617047.
Myofibrillar myopathy 5. Also called: Filaminopathy (type); FILAMINOPATHY, AUTOSOMAL DOMINANT. Identifiers: Orphanet 171445, MedGen C1836050, MONDO:0012289, OMIM 609524.

Submission:

Labcorp Genetics (formerly Invitae), Labcorp
Classification: Uncertain significance for Distal myopathy with posterior leg and anterior hand involvement; Myofibrillar myopathy 5; Hypertrophic cardiomyopathy 26. Last evaluated: 2022-02-20. Review status: criteria provided, single submitter. Criteria: Invitae Variant Classification Sherloc (09022015). Collection method: clinical testing. Allele origin: germline.
Comment: This sequence change replaces glutamic acid, which is acidic and polar, with lysine, which is basic and polar, at codon 110 of the FLNC protein (p.Glu110Lys). This variant is not present in population databases (gnomAD no frequency). This missense change has been observed in individual(s) with dilated cardiomyopathy (PMID: 32112656). Algorithms developed to predict the effect of missense changes on protein structure and function are either unavailable or do not agree on the potential impact of this missense change (SIFT: "Deleterious"; PolyPhen-2: "Benign"; Align-GVGD: "Class C0"). In summary, the available evidence is currently insufficient to determine the role of this variant in disease. Therefore, it has been classified as a Variant of Uncertain Significance.

Literature cited by the submitters: PubMed 32112656.

NM_001458.5(FLNC):c.328G>A (p.Glu110Lys)

Gene: FLNC (filamin C; plus strand). Cytogenetic location: 7q32.1.
Variant type: single nucleotide variant.
Coding change: c.328G>A on transcript NM_001458.5 (MANE Select); coding-DNA position 328, G replaced by A.
Protein change: p.Glu110Lys; replaces glutamic acid 110 with lysine.
Molecular consequence: missense variant.
Genome position (GRCh38, 1-based): chr7:128,830,965, G>A. VCF-style: chr7-128830965-G-A. GRCh37 (hg19) VCF-style: chr7-128471019-G-A.
Other names: c.328G>A, p.Glu110Lys (NM_001127487.2); short protein forms E110K.
Identifiers: ClinVar variation 1922148 (VCV001922148.5), dbSNP rs2536605769, ClinGen allele CA369217086.